The following is an entry in ClinVar:

ClinVar aggregate classification (germline): Conflicting classifications of pathogenicity. Review status: criteria provided, conflicting classifications (1 of 4 stars). 12 submissions from 12 submitters: Uncertain significance (1); Benign (1); Likely benign (8). 2 of the submissions do not count toward it. Last evaluated 2026-04-01.

Conditions:
Familial thoracic aortic aneurysm and aortic dissection (TAAD). Also called: Thoracic aortic aneurysms and dissections. Identifiers: Orphanet 91387, MedGen C4707243, MONDO:0019625.
Connective tissue disorder. Also called: Connective tissue disease. Identifiers: MedGen C0009782, MONDO:0003900.
Aortic aneurysm, familial thoracic 7 (AAT7). Also called: AORTIC DISSECTION, FAMILIAL, WITH OR WITHOUT AORTIC ANEURYSM. Identifiers: MedGen C3151077, MONDO:0013418, OMIM 613780.

Allele frequency attached by ClinVar (database versions not stated): ExAC 0.00043; TOPMed 0.00045; ESP Exome Variant Server 0.00054; gnomAD exomes 0.00060 and 0.00039; 1000 Genomes Project 30x 0.00062; gnomAD 0.00025; 1000 Genomes Project 0.00040.
gnomAD v4.1: 666 of 1,614,220 alleles (0.041%); highest among the groups gnomAD compares: Middle Eastern, 0.33%; 4 homozygotes.

Submissions (12):

CeGaT Center for Human Genetics Tuebingen
Classification: Likely benign. Last evaluated: 2026-04-01. Review status: criteria provided, single submitter. Criteria: CeGaT Center For Human Genetics Tuebingen Variant Classification Criteria Version 2. Collection method: clinical testing. Allele origin: germline. Affected: yes. Observed: 1 variant allele.
Comment: MYLK: BP4, BP7

Labcorp Genetics (formerly Invitae), Labcorp
Classification: Likely benign for Aortic aneurysm, familial thoracic 7. Last evaluated: 2026-01-26. Review status: criteria provided, single submitter. Criteria: Invitae Variant Classification Sherloc (09022015). Collection method: clinical testing. Allele origin: germline.

ARUP Laboratories, Molecular Genetics and Genomics, ARUP Laboratories
Classification: Likely benign. Last evaluated: 2025-05-29. Review status: criteria provided, single submitter. Criteria: ARUP Molecular Germline Variant Investigation Process 2024. Collection method: clinical testing. Allele origin: germline.

Blueprint Genetics
Classification: Likely benign. Last evaluated: 2024-11-01. Review status: criteria provided, single submitter. Criteria: ACMG Guidelines, 2015. Collection method: clinical testing. Allele origin: germline.

Women's Health and Genetics/Laboratory Corporation of America, LabCorp
Classification: Benign. Last evaluated: 2019-12-14. Review status: criteria provided, single submitter. Criteria: LabCorp Variant Classification Summary - May 2015. Collection method: clinical testing. Allele origin: germline.

Center for Human Genetics, Inc
Classification: Likely benign for Connective tissue disorder. Last evaluated: 2018-06-01. Review status: criteria provided, single submitter. Criteria: ACMG Guidelines, 2015. Collection method: clinical testing. Allele origin: germline. Affected: yes.

GeneDx
Classification: Likely benign. Last evaluated: 2018-03-05. Review status: criteria provided, single submitter. Criteria: GeneDx Variant Classification (06012015). Collection method: clinical testing. Allele origin: germline. Affected: yes.
Comment: This variant is considered likely benign or benign based on one or more of the following criteria: it is a conservative change, it occurs at a poorly conserved position in the protein, it is predicted to be benign by multiple in silico algorithms, and/or has population frequency not consistent with disease.

Illumina Laboratory Services, Illumina
Classification: Uncertain significance for Aortic aneurysm, familial thoracic 7. Last evaluated: 2018-01-12. Review status: criteria provided, single submitter. Criteria: ICSL Variant Classification Criteria 13 December 2019. Collection method: clinical testing. Allele origin: germline.

CHEO Genetics Diagnostic Laboratory, Children's Hospital of Eastern Ontario
Classification: Likely benign for Familial thoracic aortic aneurysm and aortic dissection. Last evaluated: 2016-06-23. Review status: criteria provided, single submitter. Criteria: ACMG Guidelines, 2015. Collection method: clinical testing. Allele origin: germline. Study: Canadian Open Genetics Repository.

Ambry Genetics
Classification: Likely benign for Familial thoracic aortic aneurysm and aortic dissection. Last evaluated: 2016-02-17. Review status: criteria provided, single submitter. Criteria: Ambry Variant Classification Scheme 2023. Collection method: clinical testing. Allele origin: germline.

Clinical Genetics DNA and cytogenetics Diagnostics Lab, Erasmus MC, Erasmus Medical Center
Classification: Likely benign. Review status: no assertion criteria provided. Collection method: clinical testing. Allele origin: germline. Affected: yes. Study: VKGL Data-share Consensus. Not counted in ClinVar's aggregate classification.

Genome Diagnostics Laboratory, University Medical Center Utrecht
Classification: Likely benign. Review status: no assertion criteria provided. Collection method: clinical testing. Allele origin: germline. Affected: yes. Study: VKGL Data-share Consensus. Not counted in ClinVar's aggregate classification.

NM_053025.4(MYLK):c.2253C>T (p.Thr751=)

Gene: MYLK (myosin light chain kinase; minus strand). Cytogenetic location: 3q21.1.
Variant type: single nucleotide variant.
Coding change: c.2253C>T on transcript NM_053025.4 (MANE Select); coding-DNA position 2253, C replaced by T.
Protein change: p.Thr751=; no amino-acid change (threonine 751 retained).
Molecular consequence: synonymous variant.
Genome position (GRCh38, 1-based): chr3:123,707,891, G>A on the plus strand (C>T on the coding strand, the complement: MYLK is on the minus strand). VCF-style: chr3-123707891-G-A. GRCh37 (hg19) VCF-style: chr3-123426738-G-A.
Other names: c.1725C>T, p.Thr575= (NM_001321309.2); c.2046C>T, p.Thr682= (NM_053026.4, NM_053028.4); c.2253C>T, p.Thr751= (NM_053027.4).
Identifiers: ClinVar variation 342891 (VCV000342891.29), dbSNP rs138777049, ClinGen allele CA068333.
Genomic context (GRCh38, chr3:123,707,891, plus strand): 5'-AAGCACCTCGAAGTGGCCAGTGTCTTTGCAGAGGGCTTTGCCATCTCTGAGCCAGTGCAC[G>A]GTAGGAAAGGGGTCACCAGCTATGGCGCAGGAGATGAGGACACTCTGGCCCAGGGAGGCT-3'
Protein context (NP_444253.3, residues 741-761): SCAIAGDPFP[Thr751=]VHWLRDGKAL